The following is an entry in ClinVar:

NM_014845.6(FIG4):c.2329A>C (p.Thr777Pro)

Gene: FIG4 (FIG4 phosphoinositide 5-phosphatase; plus strand). Cytogenetic location: 6q21.
Variant type: single nucleotide variant.
Coding change: c.2329A>C on transcript NM_014845.6 (MANE Select); coding-DNA position 2329, A replaced by C.
Protein change: p.Thr777Pro; replaces threonine 777 with proline.
Molecular consequence: missense variant.
Genome position (GRCh38, 1-based): chr6:109,791,524, A>C. VCF-style: chr6-109791524-A-C. GRCh37 (hg19) VCF-style: chr6-110112727-A-C.
Other names: short protein forms T777P.
Identifiers: ClinVar variation 859887 (VCV000859887.12), dbSNP rs1778137467, ClinGen allele CA365216692.
Genomic context (GRCh38, chr6:109,791,524, plus strand): 5'-AGCTCTGAGGATGACTCTGGGACTGATCGGGAAGAAGAGGGCTCTGTGTCTCAGCGCTCC[A>C]CTCCCGTGAAGATGACTGATGCAGGAGACAGTGCCAAAGTGACCGAGGTGCGGGGGAGGG-3'
Protein context (NP_055660.1, residues 767-787): EEEGSVSQRS[Thr777Pro]PVKMTDAGDS

ClinVar aggregate classification (germline): Uncertain significance. Review status: criteria provided, multiple submitters, no conflicts (2 of 4 stars). 3 submissions from 3 submitters: Uncertain significance (3). Last evaluated 2025-12-22.

Conditions:
Inborn genetic diseases. Identifiers: MedGen C0950123, MeSH D030342.
Charcot-Marie-Tooth disease type 4. Also called: Charcot-Marie-Tooth disease, type IV; Charcot-Marie-Tooth, Type 4. Identifiers: Orphanet 64749, MedGen C4082197, MONDO:0018995.

Allele frequency attached by ClinVar (database versions not stated): gnomAD exomes below 0.00001.
gnomAD v4.1: 1 of 1,613,882 alleles (0.000062%); highest among the groups gnomAD compares: Non-Finnish European, 0.000085%; no homozygotes.

Submissions (3):

GeneDx
Classification: Uncertain significance. Last evaluated: 2025-12-22. Review status: criteria provided, single submitter. Criteria: GeneDx Variant Classification Process June 2021. Collection method: clinical testing. Allele origin: germline. Affected: yes.
Comment: Not observed at significant frequency in large population cohorts (gnomAD); In silico analysis supports that this missense variant has a deleterious effect on protein structure/function; Has not been previously published as pathogenic or benign to our knowledge

Labcorp Genetics (formerly Invitae), Labcorp
Classification: Uncertain significance for Charcot-Marie-Tooth disease type 4. Last evaluated: 2024-02-24. Review status: criteria provided, single submitter. Criteria: Invitae Variant Classification Sherloc (09022015). Collection method: clinical testing. Allele origin: germline.
Comment: This sequence change replaces threonine, which is neutral and polar, with proline, which is neutral and non-polar, at codon 777 of the FIG4 protein (p.Thr777Pro). This variant is not present in population databases (gnomAD no frequency). This variant has not been reported in the literature in individuals affected with FIG4-related conditions. ClinVar contains an entry for this variant (Variation ID: 859887). An algorithm developed to predict the effect of missense changes on protein structure and function (PolyPhen-2) suggests that this variant is likely to be tolerated. In summary, the available evidence is currently insufficient to determine the role of this variant in disease. Therefore, it has been classified as a Variant of Uncertain Significance.

Ambry Genetics
Classification: Uncertain significance for Inborn genetic diseases. Last evaluated: 2020-02-18. Review status: criteria provided, single submitter. Criteria: Ambry Variant Classification Scheme 2023. Collection method: clinical testing. Allele origin: germline.
Comment: The p.T777P variant (also known as c.2329A>C), located in coding exon 20 of the FIG4 gene, results from an A to C substitution at nucleotide position 2329. The threonine at codon 777 is replaced by proline, an amino acid with highly similar properties. This amino acid position is well conserved in available vertebrate species. In addition, the in silico prediction for this alteration is inconclusive. Since supporting evidence is limited at this time, the clinical significance of this alteration remains unclear.